The following is an entry in ClinVar:

NM_021939.4(FKBP10):c.1276C>G (p.Gln426Glu)

Gene: FKBP10 (FKBP prolyl isomerase 10; plus strand). Cytogenetic location: 17q21.2.
Variant type: single nucleotide variant.
Coding change: c.1276C>G on transcript NM_021939.4 (MANE Select); coding-DNA position 1276, C replaced by G.
Protein change: p.Gln426Glu; replaces glutamine 426 with glutamic acid.
Molecular consequence: missense variant.
Genome position (GRCh38, 1-based): chr17:41,820,966, C>G. VCF-style: chr17-41820966-C-G. GRCh37 (hg19) VCF-style: chr17-39977218-C-G.
Other names: short protein forms Q426E.
Identifiers: ClinVar variation 2189861 (VCV002189861.1), dbSNP rs782185490, ClinGen allele CA8566601.
Genomic context (GRCh38, chr17:41,820,966, plus strand): 5'-GGACAGGGTGGCTGCTGACCTGGGCATCTGCTCTCCCCCAGGCATGACTACGGGGCCCCC[C>G]AGGAGGCGACTCTCGGGGCCAACAAGGTGATCGAAGGCCTGGACACGGGCCTGCAGGGCA-3'
Protein context (NP_068758.3, residues 416-436): LFTSHDYGAP[Gln426Glu]EATLGANKVI

ClinVar aggregate classification (germline): Uncertain significance (1 of 4 stars; one submission).

Allele frequency attached by ClinVar (database versions not stated): ExAC 0.00001; gnomAD 0.00001; TOPMed 0.00002.
gnomAD v4.1: 1 of 1,612,090 alleles (0.000062%); highest among the groups gnomAD compares: African/African-American, 0.0013%; no homozygotes.

Submission:

Labcorp Genetics (formerly Invitae), Labcorp
Classification: Uncertain significance. Last evaluated: 2022-07-11. Review status: criteria provided, single submitter. Criteria: Invitae Variant Classification Sherloc (09022015). Collection method: clinical testing. Allele origin: germline.
Comment: This sequence change replaces glutamine, which is neutral and polar, with glutamic acid, which is acidic and polar, at codon 426 of the FKBP10 protein (p.Gln426Glu). This variant is present in population databases (rs782185490, gnomAD 0.007%). This variant has not been reported in the literature in individuals affected with FKBP10-related conditions. Algorithms developed to predict the effect of missense changes on protein structure and function (SIFT, PolyPhen-2, Align-GVGD) all suggest that this variant is likely to be tolerated. In summary, the available evidence is currently insufficient to determine the role of this variant in disease. Therefore, it has been classified as a Variant of Uncertain Significance.